The following is an entry in ClinVar:

NM_004795.4(KL):c.234del (p.Gly79fs)

Gene: KL (klotho; plus strand). Cytogenetic location: 13q13.1.
Variant type: Deletion.
Coding change: c.234del on transcript NM_004795.4 (MANE Select); coding-DNA position 234, one base deleted (C; older notation c.234delC).
Protein change: p.Gly79fs; shifts the reading frame from glycine 79.
Molecular consequence: frameshift variant.
Genome position (GRCh38, 1-based): chr13:33,016,674, C deleted. VCF-style (leftmost placement, unchanged base first): chr13-33016673-GC-G. GRCh37 (hg19) VCF-style: chr13-33590811-GC-G.
Other names: short protein forms G79fs.
Identifiers: ClinVar variation 1470296 (VCV001470296.6), dbSNP rs775512230, ClinGen allele CA6943846.

ClinVar aggregate classification (germline): Uncertain significance (1 of 4 stars; one submission).

Allele frequency attached by ClinVar (database versions not stated): gnomAD exomes below 0.00001 and 0.00001; ExAC 0.00003.

Submission:

Labcorp Genetics (formerly Invitae), Labcorp
Classification: Uncertain significance. Last evaluated: 2024-02-23. Review status: criteria provided, single submitter. Criteria: Invitae Variant Classification Sherloc (09022015). Collection method: clinical testing. Allele origin: germline.
Comment: This sequence change creates a premature translational stop signal (p.Gly79Alafs*46) in the KL gene. It is expected to result in an absent or disrupted protein product. However, the current clinical and genetic evidence is not sufficient to establish whether loss-of-function variants in KL cause disease. This variant is present in population databases (rs775512230, gnomAD no frequency). This variant has not been reported in the literature in individuals affected with KL-related conditions. ClinVar contains an entry for this variant (Variation ID: 1470296). Experimental studies and prediction algorithms are not available or were not evaluated, and the functional significance of this variant is currently unknown. In summary, the available evidence is currently insufficient to determine the role of this variant in disease. Therefore, it has been classified as a Variant of Uncertain Significance.